The following is an entry in ClinVar:

NM_181507.2(HPS5):c.1012A>C (p.Asn338His)

Gene: HPS5 (HPS5 biogenesis of lysosomal organelles complex 2 subunit 2; minus strand). Cytogenetic location: 11p15.1.
Variant type: single nucleotide variant.
Coding change: c.1012A>C on transcript NM_181507.2 (MANE Select); coding-DNA position 1012, A replaced by C.
Protein change: p.Asn338His; replaces asparagine 338 with histidine.
Molecular consequence: missense variant.
Genome position (GRCh38, 1-based): chr11:18,298,944, T>G on the plus strand (A>C on the coding strand, the complement: HPS5 is on the minus strand). VCF-style: chr11-18298944-T-G. GRCh37 (hg19) VCF-style: chr11-18320491-T-G.
Other names: c.670A>C, p.Asn224His (NM_007216.4, NM_181508.2); short protein forms N224H, N338H.
Identifiers: ClinVar variation 879405 (VCV000879405.8), dbSNP rs144134556, ClinGen allele CA5910251.

ClinVar aggregate classification (germline): Uncertain significance. Review status: criteria provided, multiple submitters, no conflicts (2 of 4 stars). 4 submissions from 4 submitters: Uncertain significance (4). Last evaluated 2024-10-07.

Conditions:
Inborn genetic diseases. Identifiers: MedGen C0950123, MeSH D030342.
Hermansky-Pudlak syndrome 5 (HPS5). Identifiers: Orphanet 231512, Orphanet 79430, MedGen C3888004, MONDO:0013557, OMIM 614074.

Allele frequency attached by ClinVar (database versions not stated): ExAC 0.00005; gnomAD exomes 0.00006 and 0.00018; TOPMed 0.00009; gnomAD 0.00010; ESP Exome Variant Server 0.00015.
gnomAD v4.1: 288 of 1,614,048 alleles (0.018%); highest among the groups gnomAD compares: Non-Finnish European, 0.023%; no homozygotes.

Submissions (4):

Ambry Genetics
Classification: Uncertain significance for Inborn genetic diseases. Last evaluated: 2024-10-07. Review status: criteria provided, single submitter. Criteria: Ambry Variant Classification Scheme 2023. Collection method: clinical testing. Allele origin: germline.

Blueprint Genetics
Classification: Uncertain significance. Last evaluated: 2024-07-29. Review status: criteria provided, single submitter. Criteria: ACMG Guidelines, 2015. Collection method: clinical testing. Allele origin: germline.

Labcorp Genetics (formerly Invitae), Labcorp
Classification: Uncertain significance. Last evaluated: 2022-05-25. Review status: criteria provided, single submitter. Criteria: Invitae Variant Classification Sherloc (09022015). Collection method: clinical testing. Allele origin: germline.
Comment: This sequence change replaces asparagine, which is neutral and polar, with histidine, which is basic and polar, at codon 338 of the HPS5 protein (p.Asn338His). This variant is present in population databases (rs144134556, gnomAD 0.01%). This variant has not been reported in the literature in individuals affected with HPS5-related conditions. ClinVar contains an entry for this variant (Variation ID: 879405). Algorithms developed to predict the effect of missense changes on protein structure and function are either unavailable or do not agree on the potential impact of this missense change (SIFT: "Deleterious"; PolyPhen-2: "Probably Damaging"; Align-GVGD: "Class C0"). In summary, the available evidence is currently insufficient to determine the role of this variant in disease. Therefore, it has been classified as a Variant of Uncertain Significance.

Illumina Laboratory Services, Illumina
Classification: Uncertain significance for Hermansky-Pudlak syndrome 5. Last evaluated: 2018-01-12. Review status: criteria provided, single submitter. Criteria: ICSL Variant Classification Criteria 13 December 2019. Collection method: clinical testing. Allele origin: germline.